The following is an entry in ClinVar:

NM_001112.4(ADARB1):c.1442G>A (p.Arg481Gln)

Gene: ADARB1 (adenosine deaminase RNA specific B1; plus strand). Cytogenetic location: 21q22.3.
Variant type: single nucleotide variant.
Coding change: c.1442G>A on transcript NM_001112.4 (MANE Select); coding-DNA position 1442, G replaced by A.
Protein change: p.Arg481Gln; replaces arginine 481 with glutamine.
Molecular consequence: missense variant. On other transcripts: non-coding transcript variant (5).
Genome position (GRCh38, 1-based): chr21:45,184,968, G>A. VCF-style: chr21-45184968-G-A. GRCh37 (hg19) VCF-style: chr21-46604883-G-A.
Other names: c.1442G>A, p.Arg481Gln (NM_001160230.2, NM_001346688.2); c.1709G>A, p.Arg570Gln (NM_001346687.2); c.1589G>A, p.Arg530Gln (NM_001410722.1); c.1562G>A, p.Arg521Gln (NM_015833.4, NM_015834.4); short protein forms R481Q, R521Q, R530Q, R570Q.
Identifiers: ClinVar variation 3775271 (VCV003775271.1).

ClinVar aggregate classification (germline): Uncertain significance (1 of 4 stars; one submission).

Conditions:
Neurodevelopmental disorder with hypotonia, microcephaly, and seizures (NEDHYMS). Identifiers: MedGen C5394312, MONDO:0030025, OMIM 618862.

gnomAD v4.1: 1 of 1,614,014 alleles (0.000062%); highest among the groups gnomAD compares: Non-Finnish European, 0.000085%; no homozygotes.

Submission:

3billion
Classification: Uncertain significance for Neurodevelopmental disorder with hypotonia, microcephaly, and seizures. Last evaluated: 2023-07-25. Review status: criteria provided, single submitter. Criteria: ACMG Guidelines, 2015. Collection method: clinical testing. Allele origin: germline. Affected: yes.
Comment: The variant is not observed in the gnomAD v2.1.1 dataset. Predicted Consequence/Location: Missense changes are a common disease-causing mechanism. In silico tool predictions suggest damaging effect of the variant on gene or gene product (REVEL: 0.93; 3Cnet: 0.25). Therefore, this variant is classified as VUS according to the recommendation of ACMG/AMP guideline.